The following is an entry in ClinVar:

ClinVar aggregate classification (germline): Uncertain significance (1 of 4 stars; one submission).

Conditions:
Hereditary cancer-predisposing syndrome. Also called: Neoplastic Syndromes, Hereditary; Tumor predisposition; Hereditary Cancer Syndrome; Hereditary neoplastic syndrome. Identifiers: Orphanet 140162, MedGen C0027672, MeSH D009386, MONDO:0015356.

Submission:

Ambry Genetics
Classification: Uncertain significance for Hereditary cancer-predisposing syndrome. Last evaluated: 2022-07-26. Review status: criteria provided, single submitter. Criteria: Ambry Variant Classification Scheme 2023. Collection method: clinical testing. Allele origin: germline.
Comment: The p.E535K variant (also known as c.1603G>A), located in coding exon 14 of the MRE11A gene, results from a G to A substitution at nucleotide position 1603. The glutamic acid at codon 535 is replaced by lysine, an amino acid with similar properties. This amino acid position is conserved. In addition, this alteration is predicted to be tolerated by in silico analysis. Since supporting evidence is limited at this time, the clinical significance of this alteration remains unclear.

NM_005591.4(MRE11):c.1603G>A (p.Glu535Lys)

Gene: MRE11 (MRE11 double strand break repair nuclease; minus strand). Cytogenetic location: 11q21.
Variant type: single nucleotide variant.
Coding change: c.1603G>A on transcript NM_005591.4 (MANE Select); coding-DNA position 1603, G replaced by A.
Protein change: p.Glu535Lys; replaces glutamic acid 535 with lysine.
Molecular consequence: missense variant.
Genome position (GRCh38, 1-based): chr11:94,447,399, C>T on the plus strand (G>A on the coding strand, the complement: MRE11 is on the minus strand). VCF-style: chr11-94447399-C-T. GRCh37 (hg19) VCF-style: chr11-94180565-C-T.
Other names: c.1603G>A, p.Glu535Lys (NM_001330347.2, NM_005590.4); short protein forms E535K.
Identifiers: ClinVar variation 1800111 (VCV001800111.2), dbSNP rs1440482403, ClinGen allele CA382368674.
Genomic context (GRCh38, chr11:94,447,399, plus strand): 5'-CCATCTGTTCTGCTAAATCTATACTCATAAGGTCATCAGCACTAAAGGCAGAAGCAGACT[C>T]CTCTGACTGAGATCTGAGTGCTCTGGCCCTGGTCATAGCCTAAGAGGGAGAAGAAGGAGA-3'
Protein context (NP_005582.1, residues 525-545): RARALRSQSE[Glu535Lys]SASAFSADDL